The following is an entry in ClinVar:

NM_015338.6(ASXL1):c.3679G>A (p.Glu1227Lys)

Gene: ASXL1 (ASXL transcriptional regulator 1; plus strand). Cytogenetic location: 20q11.21.
Variant type: single nucleotide variant.
Coding change: c.3679G>A on transcript NM_015338.6 (MANE Select); coding-DNA position 3679, G replaced by A.
Protein change: p.Glu1227Lys; replaces glutamic acid 1227 with lysine.
Molecular consequence: missense variant.
Genome position (GRCh38, 1-based): chr20:32,436,391, G>A. VCF-style: chr20-32436391-G-A. GRCh37 (hg19) VCF-style: chr20-31024194-G-A.
Other names: c.3496G>A, p.Glu1166Lys (NM_001363734.1); short protein forms E1227K, E1166K.
Identifiers: ClinVar variation 3955582 (VCV003955582.1).

ClinVar aggregate classification (germline): Uncertain significance (1 of 4 stars; one submission).

Conditions:
Inborn genetic diseases. Identifiers: MedGen C0950123, MeSH D030342.

gnomAD v4.1: 3 of 1,613,716 alleles (0.00019%); highest among the groups gnomAD compares: South Asian, 0.0011%; no homozygotes.

Submission:

Ambry Genetics
Classification: Uncertain significance for Inborn genetic diseases. Last evaluated: 2025-03-31. Review status: criteria provided, single submitter. Criteria: Ambry Variant Classification Scheme 2023. Collection method: clinical testing. Allele origin: germline.
Comment: The p.E1227K variant (also known as c.3679G>A), located in coding exon 13 of the ASXL1 gene, results from a G to A substitution at nucleotide position 3679. The glutamic acid at codon 1227 is replaced by lysine, an amino acid with similar properties. This amino acid position is conserved. In addition, the in silico prediction for this alteration is inconclusive. Based on the available evidence, the clinical significance of this variant remains unclear.